The following is an entry in ClinVar:

ClinVar aggregate classification (germline): Uncertain significance (1 of 4 stars; one submission).

Conditions:
PCNT-related disorder. Also called: PCNT-related condition.

gnomAD v4.1: 4 of 1,613,786 alleles (0.00025%); highest among the groups gnomAD compares: Non-Finnish European, 0.00034%; no homozygotes.

Submission:

PreventionGenetics, part of Exact Sciences
Classification: Uncertain significance for PCNT-related condition. Last evaluated: 2024-12-26. Review status: criteria provided, single submitter. Criteria: ACMG Guidelines, 2015. Collection method: clinical testing. Allele origin: germline.
Comment: The PCNT c.2825T>C variant is predicted to result in the amino acid substitution p.Leu942Pro. To our knowledge, this variant has not been reported in the literature or in a large population database (gnomAD), indicating this variant is rare. At this time, the clinical significance of this variant is uncertain due to the absence of conclusive functional and genetic evidence.

NM_006031.6(PCNT):c.2825T>C (p.Leu942Pro)

Gene: PCNT (pericentrin; plus strand). Cytogenetic location: 21q22.3.
Variant type: single nucleotide variant.
Coding change: c.2825T>C on transcript NM_006031.6 (MANE Select); coding-DNA position 2825, T replaced by C.
Protein change: p.Leu942Pro; replaces leucine 942 with proline.
Molecular consequence: missense variant.
Genome position (GRCh38, 1-based): chr21:46,366,799, T>C. VCF-style: chr21-46366799-T-C. GRCh37 (hg19) VCF-style: chr21-47786714-T-C.
Other names: c.2471T>C, p.Leu824Pro (NM_001315529.2); short protein forms L942P, L824P.
Identifiers: ClinVar variation 4977838 (VCV004977838.1).